The following is an entry in ClinVar:

ClinVar aggregate classification (germline): Uncertain significance (1 of 4 stars; one submission).

Conditions:
Inborn genetic diseases. Identifiers: MedGen C0950123, MeSH D030342.

Submission:

Ambry Genetics
Classification: Uncertain significance for Inborn genetic diseases. Last evaluated: 2025-08-29. Review status: criteria provided, single submitter. Criteria: Ambry Variant Classification Scheme 2023. Collection method: clinical testing. Allele origin: germline.
Comment: The c.2022_2025delGGTGinsA (p.M674_V675delinsI) alteration, located in exon 17 (coding exon 16) of the DNMT3A gene, results from an in-frame deletion of GGTG and insertion of A at nucleotide positions 2022 to 2025. This results in the substitution of methionine and valine residues for an isoleucine residue at codon 674. This variant was not reported in population-based cohorts in the Genome Aggregation Database (gnomAD). These amino acid positions are not well conserved in available vertebrate species. This alteration is predicted to be deleterious by in silico analysis (Choi, 2012). Based on insufficient or conflicting evidence, the clinical significance of this alteration remains unclear.

NM_022552.5(DNMT3A):c.2022_2025delinsA (p.Met674_Val675delinsIle)

Gene: DNMT3A (DNA methyltransferase 3 alpha; minus strand). Cytogenetic location: 2p23.3.
Variant type: Indel.
Coding change: c.2022_2025delinsA on transcript NM_022552.5 (MANE Select); coding-DNA positions 2022 to 2025, GGTG replaced by A.
Protein change: p.Met674_Val675delinsIle.
Molecular consequence: inframe indel. On other transcripts: non-coding transcript variant (1).
Genome position (GRCh38, 1-based): chr2:25,241,619-25,241,622, CACC replaced by T on the plus strand (GGTG replaced by A on the coding strand, the reverse complement: DNMT3A is on the minus strand). VCF-style: chr2-25241619-CACC-T. GRCh37 (hg19) VCF-style: chr2-25464488-CACC-T.
Other names: c.1566_1569delinsA, p.Met522_Val523delinsIle (NM_001320893.1); c.1353_1356delinsA, p.Met451_Val452delinsIle (NM_001375819.1); c.1455_1458delinsA, p.Met485_Val486delinsIle (NM_153759.3); c.2022_2025delinsA, p.Met674_Val675delinsIle (NM_175629.2).
Identifiers: ClinVar variation 4243636 (VCV004243636.1).